The following is an entry in ClinVar:

NM_001127178.3(PIGG):c.214C>G (p.Leu72Val)

Gene: PIGG (phosphatidylinositol glycan anchor biosynthesis class G (EMM blood group); plus strand). Cytogenetic location: 4p16.3.
Variant type: single nucleotide variant.
Coding change: c.214C>G on transcript NM_001127178.3 (MANE Select); coding-DNA position 214, C replaced by G.
Protein change: p.Leu72Val; replaces leucine 72 with valine.
Molecular consequence: missense variant. On other transcripts: 5 prime UTR variant (10), non-coding transcript variant (10).
Genome position (GRCh38, 1-based): chr4:500,455, C>G. VCF-style: chr4-500455-C-G. GRCh37 (hg19) VCF-style: chr4-494244-C-G.
Other names: c.-54C>G (NM_001289051.2, NM_001289053.2, NM_001289057.2 and 2 more transcripts); c.214C>G, p.Leu72Val (NM_001289052.2, NM_001345989.2, NM_017733.5); c.-223C>G (NM_001289055.2); c.-674C>G (NM_001345988.2); c.-1412C>G (NM_001345990.2); c.-1274C>G (NM_001345991.2); c.-999C>G (NM_001345994.2); short protein forms L72V.
Identifiers: ClinVar variation 939735 (VCV000939735.7), dbSNP rs113634981, ClinGen allele CA355890909.

ClinVar aggregate classification (germline): Uncertain significance (1 of 4 stars; one submission).

Conditions:
Intellectual disability, autosomal recessive 53 (NEDHSCA). Also called: NEURODEVELOPMENTAL DISORDER WITH OR WITHOUT HYPOTONIA, SEIZURES, AND CEREBELLAR ATROPHY; GLYCOSYLPHOSPHATIDYLINOSITOL BIOSYNTHESIS DEFECT 13; Mental retardation, autosomal recessive 53. Identifiers: Orphanet 488635, MedGen C4310794, MONDO:0014832, OMIM 616917.

Allele frequency attached by ClinVar (database versions not stated): gnomAD exomes below 0.00001; gnomAD 0.00001; TOPMed 0.00001.
gnomAD v4.1: 3 of 1,613,732 alleles (0.00019%); highest among the groups gnomAD compares: African/African-American, 0.0013%; no homozygotes.

Submission:

Labcorp Genetics (formerly Invitae), Labcorp
Classification: Uncertain significance for Intellectual disability, autosomal recessive 53. Last evaluated: 2021-09-01. Review status: criteria provided, single submitter. Criteria: Invitae Variant Classification Sherloc (09022015). Collection method: clinical testing. Allele origin: germline.
Comment: This sequence change replaces leucine with valine at codon 72 of the PIGG protein (p.Leu72Val). The leucine residue is highly conserved and there is a small physicochemical difference between leucine and valine. This variant is not present in population databases (ExAC no frequency). This variant has not been reported in the literature in individuals affected with PIGG-related conditions. Algorithms developed to predict the effect of missense changes on protein structure and function are either unavailable or do not agree on the potential impact of this missense change (SIFT: "Tolerated"; PolyPhen-2: "Probably Damaging"; Align-GVGD: "Class C0"). In summary, the available evidence is currently insufficient to determine the role of this variant in disease. Therefore, it has been classified as a Variant of Uncertain Significance.